The following is an entry in ClinVar:

ClinVar aggregate classification (germline): Pathogenic (1 of 4 stars; one submission).

Conditions:
Congenital myotonia, autosomal recessive form. Also called: Becker Generalized Myotonia; BECKER DISEASE; myotonia congenita, autosomal recessive. Identifiers: Orphanet 614, MedGen C0751360, MONDO:0009715, OMIM 255700.
Congenital myotonia, autosomal dominant form (THD). Also called: THOMSEN DISEASE; Myotonia congenita autosomal dominant. Identifiers: Orphanet 614, MedGen C2936781, MONDO:0008055, OMIM 160800.

Submission:

Labcorp Genetics (formerly Invitae), Labcorp
Classification: Pathogenic for Congenital myotonia, autosomal recessive form; Congenital myotonia, autosomal dominant form. Last evaluated: 2021-10-21. Review status: criteria provided, single submitter. Criteria: Invitae Variant Classification Sherloc (09022015). Collection method: clinical testing. Allele origin: germline.
Comment: For these reasons, this variant has been classified as Pathogenic. This variant has not been reported in the literature in individuals affected with CLCN1-related conditions. This variant is not present in population databases (ExAC no frequency). This sequence change creates a premature translational stop signal (p.Ser682Trpfs*112) in the CLCN1 gene. It is expected to result in an absent or disrupted protein product. Loss-of-function variants in CLCN1 are known to be pathogenic (PMID: 17932099, 22094069, 23739125).

Literature cited by the submitters: PubMed 17932099; PubMed 22094069; PubMed 23739125.

NM_000083.3(CLCN1):c.2045del (p.Ser682fs)

Genes: CLCN1 (chloride voltage-gated channel 1; plus strand), LOC123956257 (Sharpr-MPRA regulatory region 4117; plus strand). Cytogenetic location: 7q34.
Variant type: Deletion.
Coding change: c.2045del on transcript NM_000083.3 (MANE Select); coding-DNA position 2045, one base deleted (C; older notation c.2045delC).
Protein change: p.Ser682fs; shifts the reading frame from serine 682.
Molecular consequence: frameshift variant. On other transcripts: non-coding transcript variant (1).
Genome position (GRCh38, 1-based): chr7:143,345,635, C deleted. VCF-style (leftmost placement, unchanged base first): chr7-143345634-TC-T. GRCh37 (hg19) VCF-style: chr7-143042727-TC-T.
Other names: short protein forms S682fs.
Identifiers: ClinVar variation 1453541 (VCV001453541.6), dbSNP rs2116384132, ClinGen allele CA2573141800.